The following is an entry in ClinVar:

NM_024876.4(COQ8B):c.663G>A (p.Gly221=)

Gene: COQ8B (coenzyme Q8B; minus strand). Cytogenetic location: 19q13.2.
Variant type: single nucleotide variant.
Coding change: c.663G>A on transcript NM_024876.4 (MANE Select); coding-DNA position 663, G replaced by A.
Protein change: p.Gly221=; no amino-acid change (glycine 221 retained).
Molecular consequence: synonymous variant.
Genome position (GRCh38, 1-based): chr19:40,703,769, C>T on the plus strand (G>A on the coding strand, the complement: COQ8B is on the minus strand). VCF-style: chr19-40703769-C-T. GRCh37 (hg19) VCF-style: chr19-41209674-C-T.
Other names: c.540G>A, p.Gly180= (NM_001142555.3).
Identifiers: ClinVar variation 380032 (VCV000380032.41), dbSNP rs142414537, ClinGen allele CA9450336.

ClinVar aggregate classification (germline): Benign/Likely benign. Review status: criteria provided, multiple submitters, no conflicts (2 of 4 stars). 5 submissions from 5 submitters: Benign (3); Likely benign (2). Last evaluated 2026-07-01.

Allele frequency attached by ClinVar (database versions not stated): 1000 Genomes Project 30x 0.00172; 1000 Genomes Project 0.00180; gnomAD 0.00185; TOPMed 0.00264; ESP Exome Variant Server 0.00269; gnomAD exomes 0.00306; ExAC 0.00329.
gnomAD v4.1: 4,780 of 1,614,074 alleles (0.3%); highest among the groups gnomAD compares: Middle Eastern, 0.84%; 14 homozygotes.

Submissions (5):

CeGaT Center for Human Genetics Tuebingen
Classification: Likely benign. Last evaluated: 2026-07-01. Review status: criteria provided, single submitter. Criteria: CeGaT Center For Human Genetics Tuebingen Variant Classification Criteria Version 2. Collection method: clinical testing. Allele origin: germline. Affected: yes. Observed: 10 variant alleles.
Comment: COQ8B: BP4, BP7

Labcorp Genetics (formerly Invitae), Labcorp
Classification: Benign. Last evaluated: 2026-02-02. Review status: criteria provided, single submitter. Criteria: Invitae Variant Classification Sherloc (09022015). Collection method: clinical testing. Allele origin: germline.

Blueprint Genetics
Classification: Likely benign. Last evaluated: 2024-11-27. Review status: criteria provided, single submitter. Criteria: ACMG Guidelines, 2015. Collection method: clinical testing. Allele origin: germline.

GeneDx
Classification: Benign. Last evaluated: 2017-10-05. Review status: criteria provided, single submitter. Criteria: GeneDx Variant Classification (06012015). Collection method: clinical testing. Allele origin: germline. Affected: yes.
Comment: This variant is considered likely benign or benign based on one or more of the following criteria: it is a conservative change, it occurs at a poorly conserved position in the protein, it is predicted to be benign by multiple in silico algorithms, and/or has population frequency not consistent with disease.

Breakthrough Genomics
Classification: Benign. Review status: criteria provided, single submitter. Criteria: ACMG Guidelines, 2015. Collection method: not provided. Allele origin: germline. Inheritance: Autosomal recessive inheritance. Affected: yes.